The following is an entry in ClinVar:

ClinVar aggregate classification (germline): Uncertain significance (1 of 4 stars; one submission).

Submission:

Labcorp Genetics (formerly Invitae), Labcorp
Classification: Uncertain significance. Last evaluated: 2024-05-01. Review status: criteria provided, single submitter. Criteria: Invitae Variant Classification Sherloc (09022015). Collection method: clinical testing. Allele origin: germline.
Comment: This sequence change falls in intron 25 of the C3 gene. It does not directly change the encoded amino acid sequence of the C3 protein. It affects a nucleotide within the consensus splice site. This variant is not present in population databases (gnomAD no frequency). This variant has not been reported in the literature in individuals affected with C3-related conditions. Variants that disrupt the consensus splice site are a relatively common cause of aberrant splicing (PMID: 17576681, 9536098). Algorithms developed to predict the effect of sequence changes on RNA splicing suggest that this variant is not likely to affect RNA splicing. In summary, the available evidence is currently insufficient to determine the role of this variant in disease. Therefore, it has been classified as a Variant of Uncertain Significance.

Literature cited by the submitters: PubMed 17576681; PubMed 9536098.

NM_000064.4(C3):c.3230+3G>A

Gene: C3 (complement C3; minus strand). Cytogenetic location: 19p13.3.
Variant type: single nucleotide variant.
Coding change: c.3230+3G>A on transcript NM_000064.4 (MANE Select); 3 bases into the intron after coding-DNA position 3230, G replaced by A.
Molecular consequence: intron variant.
Genome position (GRCh38, 1-based): chr19:6,693,409, C>T on the plus strand (G>A on the coding strand, the complement: C3 is on the minus strand). VCF-style: chr19-6693409-C-T. GRCh37 (hg19) VCF-style: chr19-6693420-C-T.
Identifiers: ClinVar variation 3668448 (VCV003668448.2).